The following is an entry in ClinVar:

ClinVar aggregate classification (germline): Likely pathogenic (1 of 4 stars; one submission).

Conditions:
2-aminoadipic 2-oxoadipic aciduria (AAKAD). Also called: Aminoadipic aciduria; ALPHA-AMINOADIPIC AND ALPHA-KETOADIPIC ACIDURIA. Identifiers: Orphanet 79154, MedGen C1859817, MONDO:0008774, OMIM 204750.

Submissions (2):

Labcorp Genetics (formerly Invitae), Labcorp
Classification: Likely pathogenic for 2-aminoadipic 2-oxoadipic aciduria. Last evaluated: 2022-03-19. Review status: criteria provided, single submitter. Criteria: Invitae Variant Classification Sherloc (09022015). Collection method: clinical testing. Allele origin: germline.
Comment: This sequence change affects a donor splice site in intron 9 of the DHTKD1 gene. It is expected to disrupt RNA splicing. Variants that disrupt the donor or acceptor splice site typically lead to a loss of protein function (PMID: 16199547), and loss-of-function variants in DHTKD1 are known to be pathogenic (PMID: 23141293, 25860818). This variant is not present in population databases (gnomAD no frequency). This variant has not been reported in the literature in individuals affected with DHTKD1-related conditions. In summary, the currently available evidence indicates that the variant is pathogenic, but additional data are needed to prove that conclusively. Therefore, this variant has been classified as Likely Pathogenic.

Dr. Peter K. Rogan Lab, Western University
No classification provided (evidence only). Condition: Nonpapillary renal cell carcinoma. Review status: no classification provided. Collection method: in vitro. Allele origin: not applicable. Functional consequence: retained intron. Not counted in ClinVar's aggregate classification.

Literature cited by the submitters: PubMed 16199547 (cited by Labcorp Genetics (formerly Invitae), Labcorp); PubMed 23141293 (cited by Labcorp Genetics (formerly Invitae), Labcorp); PubMed 25860818 (cited by Labcorp Genetics (formerly Invitae), Labcorp).

NM_018706.7(DHTKD1):c.1756+2T>C

Gene: DHTKD1 (dehydrogenase E1 and transketolase domain containing 1; plus strand). Cytogenetic location: 10p14.
Variant type: single nucleotide variant.
Coding change: c.1756+2T>C on transcript NM_018706.7 (MANE Select); the canonical splice donor site of the intron after coding-DNA position 1756, T replaced by C.
Molecular consequence: splice donor variant.
Genome position (GRCh38, 1-based): chr10:12,100,264, T>C. VCF-style: chr10-12100264-T-C. GRCh37 (hg19) VCF-style: chr10-12142263-T-C.
Identifiers: ClinVar variation 2057916 (VCV002057916.5), dbSNP rs774312036, ClinGen allele CA376021991.